The following is an entry in ClinVar:

NM_014762.4(DHCR24):c.*788A>G

Gene: DHCR24 (24-dehydrocholesterol reductase; minus strand). Cytogenetic location: 1p32.3.
Variant type: single nucleotide variant.
Coding change: c.*788A>G on transcript NM_014762.4 (MANE Select); 788 bases downstream of the stop codon, A replaced by G.
Molecular consequence: 3 prime UTR variant.
Genome position (GRCh38, 1-based): chr1:54,851,445, T>C on the plus strand (A>G on the coding strand, the complement: DHCR24 is on the minus strand). VCF-style: chr1-54851445-T-C. GRCh37 (hg19) VCF-style: chr1-55317118-T-C.
Identifiers: ClinVar variation 297634 (VCV000297634.5), dbSNP rs9436941, ClinGen allele CA10611246.

ClinVar aggregate classification (germline): Benign (1 of 4 stars; one submission).

Conditions:
Desmosterolosis. Identifiers: Orphanet 35107, MedGen C1865596, MONDO:0011217, OMIM 602398.

Allele frequency attached by ClinVar (database versions not stated): gnomAD 0.02974 and 0.03198; 1000 Genomes Project 0.03255; TOPMed 0.03441; 1000 Genomes Project 30x 0.03451.

Submission:

Illumina Laboratory Services, Illumina
Classification: Benign for Desmosterolosis. Last evaluated: 2018-01-13. Review status: criteria provided, single submitter. Criteria: ICSL Variant Classification Criteria 13 December 2019. Collection method: clinical testing. Allele origin: germline.
Comment: This variant was observed in the ICSL laboratory as part of a predisposition screen in an ostensibly healthy population. It had not been previously curated by ICSL or reported in the Human Gene Mutation Database (HGMD: prior to June 1st, 2018), and was therefore a candidate for classification through an automated scoring system. Utilizing variant allele frequency, disease prevalence and penetrance estimates, and inheritance mode, an automated score was calculated to assess if this variant is too frequent to cause the disease. Based on the score and internal cut-off values, a variant classified as benign is not then subjected to further curation. The score for this variant resulted in a classification of benign for this disease.